The following is an entry in ClinVar:

ClinVar aggregate classification (germline): Uncertain significance. Review status: criteria provided, multiple submitters, no conflicts (2 of 4 stars). 2 submissions from 2 submitters: Uncertain significance (2). Last evaluated 2025-08-08.

Allele frequency attached by ClinVar (database versions not stated): gnomAD exomes below 0.00001 and 0.00001; ExAC 0.00001; gnomAD 0.00002; TOPMed 0.00002.
gnomAD v4.1: 4 of 1,614,154 alleles (0.00025%); highest among the groups gnomAD compares: African/African-American, 0.0053%; no homozygotes.

Submissions (2):

Ambry Genetics
Classification: Uncertain significance. Last evaluated: 2025-08-08. Review status: criteria provided, single submitter. Criteria: Ambry Variant Classification Scheme 2023. Collection method: clinical testing. Allele origin: germline.

Labcorp Genetics (formerly Invitae), Labcorp
Classification: Uncertain significance. Last evaluated: 2021-05-31. Review status: criteria provided, single submitter. Criteria: Invitae Variant Classification Sherloc (09022015). Collection method: clinical testing. Allele origin: germline.
Comment: In summary, the available evidence is currently insufficient to determine the role of this variant in disease. Therefore, it has been classified as a Variant of Uncertain Significance. This sequence change replaces glutamic acid with glutamine at codon 1446 of the CEP250 protein (p.Glu1446Gln). The glutamic acid residue is weakly conserved and there is a moderate physicochemical difference between glutamic acid and glutamine. This variant is present in population databases (rs757112602, ExAC 0.01%). This variant has not been reported in the literature in individuals with CEP250-related conditions. Algorithms developed to predict the effect of missense changes on protein structure and function output the following: SIFT: "Not Available"; PolyPhen-2: "Benign"; Align-GVGD: "Not Available". The glutamine amino acid residue is found in multiple mammalian species, suggesting that this missense change does not adversely affect protein function. These predictions have not been confirmed by published functional studies and their clinical significance is uncertain.

NM_007186.6(CEP250):c.4336G>C (p.Glu1446Gln)

Gene: CEP250 (centrosomal protein 250; plus strand). Cytogenetic location: 20q11.22.
Variant type: single nucleotide variant.
Coding change: c.4336G>C on transcript NM_007186.6 (MANE Select); coding-DNA position 4336, G replaced by C.
Protein change: p.Glu1446Gln; replaces glutamic acid 1446 with glutamine.
Molecular consequence: missense variant.
Genome position (GRCh38, 1-based): chr20:35,502,705, G>C. VCF-style: chr20-35502705-G-C. GRCh37 (hg19) VCF-style: chr20-34090533-G-C.
Other names: c.2440G>C, p.Glu814Gln (NM_001318219.1); c.4336G>C (NM_007186.3); short protein forms E1446Q, E814Q.
Identifiers: ClinVar variation 1524186 (VCV001524186.9), dbSNP rs757112602, ClinGen allele CA9833703.